The following is an entry in ClinVar:

NM_000075.4(CDK4):c.329C>G (p.Pro110Arg)

Gene: CDK4 (cyclin dependent kinase 4; minus strand). Cytogenetic location: 12q14.1.
Variant type: single nucleotide variant.
Coding change: c.329C>G on transcript NM_000075.4 (MANE Select); coding-DNA position 329, C replaced by G.
Protein change: p.Pro110Arg; replaces proline 110 with arginine.
Molecular consequence: missense variant.
Genome position (GRCh38, 1-based): chr12:57,751,232, G>C on the plus strand (C>G on the coding strand, the complement: CDK4 is on the minus strand). VCF-style: chr12-57751232-G-C. GRCh37 (hg19) VCF-style: chr12-58145015-G-C.
Other names: short protein forms P110R.
Identifiers: ClinVar variation 2127241 (VCV002127241.4), dbSNP rs1955233459, ClinGen allele CA385547617.

ClinVar aggregate classification (germline): Uncertain significance (1 of 4 stars; one submission).

Conditions:
Familial melanoma. Also called: Hereditary melanoma; Hereditary cutaneous melanoma. Identifiers: Orphanet 618, MedGen C1512419, MONDO:0018961.

Submission:

Labcorp Genetics (formerly Invitae), Labcorp
Classification: Uncertain significance for Familial melanoma. Last evaluated: 2024-02-17. Review status: criteria provided, single submitter. Criteria: Invitae Variant Classification Sherloc (09022015). Collection method: clinical testing. Allele origin: germline.
Comment: This sequence change replaces proline, which is neutral and non-polar, with arginine, which is basic and polar, at codon 110 of the CDK4 protein (p.Pro110Arg). This variant is not present in population databases (gnomAD no frequency). This variant has not been reported in the literature in individuals affected with CDK4-related conditions. ClinVar contains an entry for this variant (Variation ID: 2127241). Advanced modeling of protein sequence and biophysical properties (such as structural, functional, and spatial information, amino acid conservation, physicochemical variation, residue mobility, and thermodynamic stability) performed at Invitae indicates that this missense variant is not expected to disrupt CDK4 protein function with a negative predictive value of 95%. In summary, the available evidence is currently insufficient to determine the role of this variant in disease. Therefore, it has been classified as a Variant of Uncertain Significance.